The following is an entry in ClinVar:

NM_016222.4(DDX41):c.878G>A (p.Arg293His)

Gene: DDX41 (DEAD-box helicase 41; minus strand). Cytogenetic location: 5q35.3.
Variant type: single nucleotide variant.
Coding change: c.878G>A on transcript NM_016222.4 (MANE Select); coding-DNA position 878, G replaced by A.
Protein change: p.Arg293His; replaces arginine 293 with histidine.
Molecular consequence: missense variant.
Genome position (GRCh38, 1-based): chr5:177,514,758, C>T on the plus strand (G>A on the coding strand, the complement: DDX41 is on the minus strand). VCF-style: chr5-177514758-C-T. GRCh37 (hg19) VCF-style: chr5-176941759-C-T.
Other names: c.500G>A, p.Arg167His (NM_001321732.2, NM_001321830.2); c.878G>A (NM_016222.2); short protein forms R167H, R293H.
Identifiers: ClinVar variation 2577911 (VCV002577911.7), dbSNP rs773162771, ClinGen allele CA3584991.

ClinVar aggregate classification (germline): Uncertain significance. Review status: criteria provided, multiple submitters, no conflicts (2 of 4 stars). 5 submissions from 5 submitters: Uncertain significance (5). Last evaluated 2025-03-01.

Conditions:
Inborn genetic diseases. Identifiers: MedGen C0950123, MeSH D030342.
DDX41-related hematologic malignancy predisposition syndrome. Also called: Myeloproliferative/lymphoproliferative neoplasms, familial (multiple types), susceptibility to; DDX41-Associated Familial Myelodysplastic Syndrome and Acute Myeloid Leukemia. Identifiers: Orphanet 488647, MedGen C4225174, MONDO:0014809, OMIM 616871.

Allele frequency attached by ClinVar (database versions not stated): ExAC 0.00001; gnomAD exomes 0.00001; TOPMed 0.00002.
gnomAD v4.1: 12 of 1,612,874 alleles (0.00074%); highest among the groups gnomAD compares: African/African-American, 0.0013%; no homozygotes.

Submissions (5):

Ambry Genetics
Classification: Uncertain significance for Inborn genetic diseases. Last evaluated: 2025-03-01. Review status: criteria provided, single submitter. Criteria: Ambry Variant Classification Scheme 2023. Collection method: clinical testing. Allele origin: germline.
Comment: The p.R293H variant (also known as c.878G>A), located in coding exon 9 of the DDX41 gene, results from a G to A substitution at nucleotide position 878. The arginine at codon 293 is replaced by histidine, an amino acid with highly similar properties. This amino acid position is highly conserved in available vertebrate species. In addition, the in silico prediction for this alteration is inconclusive. Based on the available evidence, the clinical significance of this variant remains unclear.

GeneDx
Classification: Uncertain significance. Last evaluated: 2023-11-26. Review status: criteria provided, single submitter. Criteria: GeneDx Variant Classification Process June 2021. Collection method: clinical testing. Allele origin: germline. Affected: yes.
Comment: Observed in an unaffected adult whose deceased parent had a DDX41-related hematologic malignancy (PMID: 36347925); Published in vitro functional studies suggest variant p.R293H may affect protein function (PMID: 36347925); In silico analysis supports that this missense variant has a deleterious effect on protein structure/function; Not observed at significant frequency in large population cohorts (gnomAD); This variant is associated with the following publications: (PMID: 27721487, KimH2023[preprint], 37506341, 36347925)

Baylor Genetics
Classification: Uncertain significance for DDX41-related hematologic malignancy predisposition syndrome. Last evaluated: 2023-09-07. Review status: criteria provided, single submitter. Criteria: ACMG Guidelines, 2015. Collection method: clinical testing. Allele origin: unknown.

Labcorp Genetics (formerly Invitae), Labcorp
Classification: Uncertain significance. Last evaluated: 2023-08-16. Review status: criteria provided, single submitter. Criteria: Invitae Variant Classification Sherloc (09022015). Collection method: clinical testing. Allele origin: germline.
Comment: In summary, the available evidence is currently insufficient to determine the role of this variant in disease. Therefore, it has been classified as a Variant of Uncertain Significance. This sequence change replaces arginine, which is basic and polar, with histidine, which is basic and polar, at codon 293 of the DDX41 protein (p.Arg293His). This variant is present in population databases (rs773162771, gnomAD 0.0009%). This variant has not been reported in the literature in individuals affected with DDX41-related conditions. An algorithm developed to predict the effect of missense changes on protein structure and function (PolyPhen-2) suggests that this variant is likely to be tolerated.

St. Jude Molecular Pathology, St. Jude Children's Research Hospital
Classification: Uncertain significance for DDX41-related hematologic malignancy predisposition syndrome. Last evaluated: 2023-07-27. Review status: criteria provided, single submitter. Criteria: St. Jude Assertion Criteria 2020. Collection method: clinical testing. Allele origin: germline.
Comment: The DDX41 c.878G>A (p.Arg293His) missense change has a maximum subpopulation frequency of 0.0018% in gnomAD v2.1.1. The in silico tool REVEL is inconclusive about a pathogenic or benign effect of this variant on protein function. In a qRT-PCR assay to determine competence to alter the levels of DDX41-regulated transcripts, this variant showed attenuated activity relative to wild-type (PMID: 36347925). The proband's father did not undergo genetic testing (PMID: 36347925). In summary, the evidence currently available is insufficient to determine the clinical significance of this variant. It has therefore been classified as of uncertain significance.